The following is an entry in ClinVar:

NM_018706.7(DHTKD1):c.2154G>A (p.Gln718=)

Gene: DHTKD1 (dehydrogenase E1 and transketolase domain containing 1; plus strand). Cytogenetic location: 10p14.
Variant type: single nucleotide variant.
Coding change: c.2154G>A on transcript NM_018706.7 (MANE Select); coding-DNA position 2154, G replaced by A.
Protein change: p.Gln718=; no amino-acid change (glutamine 718 retained).
Molecular consequence: synonymous variant.
Genome position (GRCh38, 1-based): chr10:12,108,015, G>A. VCF-style: chr10-12108015-G-A. GRCh37 (hg19) VCF-style: chr10-12150014-G-A.
Identifiers: ClinVar variation 2024974 (VCV002024974.4), dbSNP rs747366922, ClinGen allele CA5408148.

ClinVar aggregate classification (germline): Uncertain significance (1 of 4 stars; one submission).

Conditions:
2-aminoadipic 2-oxoadipic aciduria (AAKAD). Also called: Aminoadipic aciduria; ALPHA-AMINOADIPIC AND ALPHA-KETOADIPIC ACIDURIA. Identifiers: Orphanet 79154, MedGen C1859817, MONDO:0008774, OMIM 204750.

Allele frequency attached by ClinVar (database versions not stated): TOPMed below 0.00001; ExAC 0.00001; gnomAD 0.00001; gnomAD exomes 0.00001.

Submission:

Labcorp Genetics (formerly Invitae), Labcorp
Classification: Uncertain significance for 2-aminoadipic 2-oxoadipic aciduria. Last evaluated: 2022-10-17. Review status: criteria provided, single submitter. Criteria: Invitae Variant Classification Sherloc (09022015). Collection method: clinical testing. Allele origin: germline.
Comment: This variant is present in population databases (rs747366922, gnomAD 0.0009%). This sequence change affects codon 718 of the DHTKD1 mRNA. It is a 'silent' change, meaning that it does not change the encoded amino acid sequence of the DHTKD1 protein. This variant also falls at the last nucleotide of exon 12, which is part of the consensus splice site for this exon. This variant has not been reported in the literature in individuals affected with DHTKD1-related conditions. Variants that disrupt the consensus splice site are a relatively common cause of aberrant splicing (PMID: 17576681, 9536098). Algorithms developed to predict the effect of sequence changes on RNA splicing suggest that this variant may disrupt the consensus splice site. In summary, the available evidence is currently insufficient to determine the role of this variant in disease. Therefore, it has been classified as a Variant of Uncertain Significance.

Literature cited by the submitters: PubMed 17576681; PubMed 9536098.